The following is an entry in ClinVar:

NM_000387.6(SLC25A20):c.619C>T (p.Leu207Phe)

Gene: SLC25A20 (solute carrier family 25 member 20; minus strand). Cytogenetic location: 3p21.31.
Variant type: single nucleotide variant.
Coding change: c.619C>T on transcript NM_000387.6 (MANE Select); coding-DNA position 619, C replaced by T.
Protein change: p.Leu207Phe; replaces leucine 207 with phenylalanine.
Molecular consequence: missense variant.
Genome position (GRCh38, 1-based): chr3:48,859,191, G>A on the plus strand (C>T on the coding strand, the complement: SLC25A20 is on the minus strand). VCF-style: chr3-48859191-G-A. GRCh37 (hg19) VCF-style: chr3-48896624-G-A.
Other names: short protein forms L207F.
Identifiers: ClinVar variation 2140776 (VCV002140776.4), dbSNP rs773165226, ClinGen allele CA2387329.

ClinVar aggregate classification (germline): Uncertain significance (1 of 4 stars; one submission).

Conditions:
Carnitine acylcarnitine translocase deficiency (CACTD). Identifiers: Orphanet 159, MedGen C0342791, MONDO:0008918, OMIM 212138.

gnomAD v4.1: 3 of 1,613,886 alleles (0.00019%); highest among the groups gnomAD compares: Non-Finnish European, 0.00025%; no homozygotes.

Submission:

Labcorp Genetics (formerly Invitae), Labcorp
Classification: Uncertain significance for Carnitine acylcarnitine translocase deficiency. Last evaluated: 2022-04-16. Review status: criteria provided, single submitter. Criteria: Invitae Variant Classification Sherloc (09022015). Collection method: clinical testing. Allele origin: germline.
Comment: This sequence change replaces leucine, which is neutral and non-polar, with phenylalanine, which is neutral and non-polar, at codon 207 of the SLC25A20 protein (p.Leu207Phe). This variant is present in population databases (rs773165226, gnomAD 0.003%). This variant has not been reported in the literature in individuals affected with SLC25A20-related conditions. Algorithms developed to predict the effect of missense changes on protein structure and function are either unavailable or do not agree on the potential impact of this missense change (SIFT: "Deleterious"; PolyPhen-2: "Possibly Damaging"; Align-GVGD: "Class C0"). In summary, the available evidence is currently insufficient to determine the role of this variant in disease. Therefore, it has been classified as a Variant of Uncertain Significance.